The following is an entry in ClinVar:

NM_005045.4(RELN):c.2268G>C (p.Gln756His)

Gene: RELN (reelin; minus strand). Cytogenetic location: 7q22.1.
Variant type: single nucleotide variant.
Coding change: c.2268G>C on transcript NM_005045.4 (MANE Select); coding-DNA position 2268, G replaced by C.
Protein change: p.Gln756His; replaces glutamine 756 with histidine.
Molecular consequence: missense variant.
Genome position (GRCh38, 1-based): chr7:103,636,270, C>G on the plus strand (G>C on the coding strand, the complement: RELN is on the minus strand). VCF-style: chr7-103636270-C-G. GRCh37 (hg19) VCF-style: chr7-103276717-C-G.
Other names: c.2268G>C, p.Gln756His (NM_173054.3); short protein forms Q756H.
Identifiers: ClinVar variation 2239414 (VCV002239414.5), dbSNP rs2484802499, ClinGen allele CA368761544.
Genomic context (GRCh38, chr7:103,636,270, plus strand): 5'-TGTATTCTACCCTGCCTTCACTCACCTGGATTGTGAGCTGTCAAGGAAAGATGTAATTAG[C>G]TGACGCCGCCCATCTTTGTTGAAAACCAGGGCCTTACCACTGGCCAAGACACCACAACCA-3'
Protein context (NP_005036.2, residues 746-766): ALVFNKDGRR[Gln756His]LITSFLDSSQ

ClinVar aggregate classification (germline): Uncertain significance. Review status: criteria provided, multiple submitters, no conflicts (2 of 4 stars). 2 submissions from 2 submitters: Uncertain significance (2). Last evaluated 2023-12-09.

Conditions:
Inborn genetic diseases. Identifiers: MedGen C0950123, MeSH D030342.
Norman-Roberts syndrome (LIS2). Also called: Lissencephaly 2 (Norman-Roberts type). Identifiers: Orphanet 89844, MedGen C0796089, MONDO:0009760, OMIM 257320.
Familial temporal lobe epilepsy 7. Identifiers: Orphanet 101046, MedGen C4225327, MONDO:0014639, OMIM 616436.

gnomAD v4.1: 2 of 1,613,874 alleles (0.00012%); highest among the groups gnomAD compares: Non-Finnish European, 0.00017%; no homozygotes.

Submissions (2):

Labcorp Genetics (formerly Invitae), Labcorp
Classification: Uncertain significance for Familial temporal lobe epilepsy 7; Norman-Roberts syndrome. Last evaluated: 2023-12-09. Review status: criteria provided, single submitter. Criteria: Invitae Variant Classification Sherloc (09022015). Collection method: clinical testing. Allele origin: germline.
Comment: This sequence change replaces glutamine, which is neutral and polar, with histidine, which is basic and polar, at codon 756 of the RELN protein (p.Gln756His). This variant is not present in population databases (gnomAD no frequency). This variant has not been reported in the literature in individuals affected with RELN-related conditions. ClinVar contains an entry for this variant (Variation ID: 2239414). Advanced modeling of protein sequence and biophysical properties (such as structural, functional, and spatial information, amino acid conservation, physicochemical variation, residue mobility, and thermodynamic stability) performed at Invitae indicates that this missense variant is not expected to disrupt RELN protein function with a negative predictive value of 80%. In summary, the available evidence is currently insufficient to determine the role of this variant in disease. Therefore, it has been classified as a Variant of Uncertain Significance.

Ambry Genetics
Classification: Uncertain significance for Inborn genetic diseases. Last evaluated: 2021-07-26. Review status: criteria provided, single submitter. Criteria: Ambry Variant Classification Scheme 2023. Collection method: clinical testing. Allele origin: germline.